The following is an entry in ClinVar:

NM_012424.6(RPS6KC1):c.2589G>T (p.Gln863His)

Gene: RPS6KC1 (ribosomal protein S6 kinase C1; plus strand). Cytogenetic location: 1q32.3.
Variant type: single nucleotide variant.
Coding change: c.2589G>T on transcript NM_012424.6 (MANE Select); coding-DNA position 2589, G replaced by T.
Protein change: p.Gln863His; replaces glutamine 863 with histidine.
Molecular consequence: missense variant. On other transcripts: non-coding transcript variant (4).
Genome position (GRCh38, 1-based): chr1:213,242,065, G>T. VCF-style: chr1-213242065-G-T. GRCh37 (hg19) VCF-style: chr1-213415408-G-T.
Other names: c.2553G>T, p.Gln851His (NM_001136138.4); c.1953G>T, p.Gln651His (NM_001287218.3, NM_001287219.3, NM_001349654.2); c.1194G>T, p.Gln398His (NM_001287220.3, NM_001349663.2, NM_001349664.2 and 8 more transcripts); c.2046G>T, p.Gln682His (NM_001287221.3, NM_001349648.2, NM_001349649.2 and 4 more transcripts); c.2496G>T, p.Gln832His (NM_001349646.2); c.2226G>T, p.Gln742His (NM_001349647.2); c.1698G>T, p.Gln566His (NM_001349657.2, NM_001349658.2); c.1533G>T, p.Gln511His (NM_001349659.2, NM_001349660.2, NM_001349661.2 and 1 more transcripts); short protein forms Q651H, Q832H, Q398H, Q742H, Q863H, Q511H, Q851H, Q566H.
Identifiers: ClinVar variation 1415759 (VCV001415759.6), dbSNP rs2148948938, ClinGen allele CA344892154.

ClinVar aggregate classification (germline): Uncertain significance (1 of 4 stars; one submission).

Submission:

Labcorp Genetics (formerly Invitae), Labcorp
Classification: Uncertain significance. Last evaluated: 2021-12-07. Review status: criteria provided, single submitter. Criteria: Invitae Variant Classification Sherloc (09022015). Collection method: clinical testing. Allele origin: germline.
Comment: This sequence change replaces glutamine, which is neutral and polar, with histidine, which is basic and polar, at codon 863 of the RPS6KC1 protein (p.Gln863His). This variant is not present in population databases (gnomAD no frequency). This variant has not been reported in the literature in individuals affected with RPS6KC1-related conditions. Algorithms developed to predict the effect of missense changes on protein structure and function are either unavailable or do not agree on the potential impact of this missense change (SIFT: "Tolerated"; PolyPhen-2: "Possibly Damaging"; Align-GVGD: "Class C0"). In summary, the available evidence is currently insufficient to determine the role of this variant in disease. Therefore, it has been classified as a Variant of Uncertain Significance.